The following is an entry in ClinVar:

NM_001370100.5(ZMYND11):c.1063C>T (p.Arg355Cys)

Gene: ZMYND11 (zinc finger MYND-type containing 11; plus strand). Cytogenetic location: 10p15.3.
Variant type: single nucleotide variant.
Coding change: c.1063C>T on transcript NM_001370100.5 (MANE Select); coding-DNA position 1063, C replaced by T.
Protein change: p.Arg355Cys; replaces arginine 355 with cysteine.
Molecular consequence: missense variant. On other transcripts: non-coding transcript variant (1).
Genome position (GRCh38, 1-based): chr10:246,878, C>T. VCF-style: chr10-246878-C-T. GRCh37 (hg19) VCF-style: chr10-292818-C-T.
Other names: c.1063C>T, p.Arg355Cys (NM_001161482.1, NM_001202468.1, NM_001370097.3 and 6 more transcripts); c.901C>T, p.Arg301Cys (NM_001202464.3, NM_001202467.1, NM_001370103.2 and 6 more transcripts); c.808C>T, p.Arg270Cys (NM_001202465.3, NM_001370110.2); c.898C>T, p.Arg300Cys (NM_001202466.3, NM_001370111.2); c.1012C>T, p.Arg338Cys (NM_001330057.3, NM_001370112.2); c.970C>T, p.Arg324Cys (NM_001370113.2, NM_001370114.2); c.1060C>T, p.Arg354Cys (NM_001370115.2, NM_212479.4); c.997C>T, p.Arg333Cys (NM_001370116.2); and 7 more; short protein forms R198C, R261C, R279C, R300C, R301C, R338C, R354C, R270C.
Identifiers: ClinVar variation 2007735 (VCV002007735.4), dbSNP rs1193115374, ClinGen allele CA375820003.

ClinVar aggregate classification (germline): Uncertain significance (1 of 4 stars; one submission).

Allele frequency attached by ClinVar (database versions not stated): TOPMed below 0.00001; gnomAD 0.00001; gnomAD exomes below 0.00001.
gnomAD v4.1: 8 of 1,613,896 alleles (0.0005%); highest among the groups gnomAD compares: South Asian, 0.0022%; no homozygotes.

Submission:

Labcorp Genetics (formerly Invitae), Labcorp
Classification: Uncertain significance. Last evaluated: 2025-03-31. Review status: criteria provided, single submitter. Criteria: Invitae Variant Classification Sherloc (09022015). Collection method: clinical testing. Allele origin: germline.
Comment: This sequence change replaces arginine, which is basic and polar, with cysteine, which is neutral and slightly polar, at codon 355 of the ZMYND11 protein (p.Arg355Cys). This variant is not present in population databases (gnomAD no frequency). This variant has not been reported in the literature in individuals affected with ZMYND11-related conditions. ClinVar contains an entry for this variant (Variation ID: 2007735). Invitae Evidence Modeling of protein sequence and biophysical properties (such as structural, functional, and spatial information, amino acid conservation, physicochemical variation, residue mobility, and thermodynamic stability) indicates that this missense variant is not expected to disrupt ZMYND11 protein function with a negative predictive value of 80%. In summary, the available evidence is currently insufficient to determine the role of this variant in disease. Therefore, it has been classified as a Variant of Uncertain Significance.